The following is an entry in ClinVar:

ClinVar aggregate classification (germline): Uncertain significance (1 of 4 stars; one submission).

Conditions:
Neurofibromatosis, type 1 (NF1). Also called: VON RECKLINGHAUSEN DISEASE; Neurofibromatosis, type I; NEUROFIBROMATOSIS, TYPE I, SOMATIC; Peripheral type neurofibromatosis. Identifiers: Orphanet 636, MedGen C0027831, MONDO:0018975, OMIM 162200. Disease mechanism: loss of function.

Submission:

Labcorp Genetics (formerly Invitae), Labcorp
Classification: Uncertain significance for Neurofibromatosis, type 1. Last evaluated: 2018-12-06. Review status: criteria provided, single submitter. Criteria: Invitae Variant Classification Sherloc (09022015). Collection method: clinical testing. Allele origin: germline.
Comment: In summary, the available evidence is currently insufficient to determine the role of this variant in disease. Therefore, it has been classified as a Variant of Uncertain Significance. Algorithms developed to predict the effect of missense changes on protein structure and function are either unavailable or do not agree on the potential impact of this missense change (SIFT: "Tolerated"; PolyPhen-2: "Probably Damaging"; Align-GVGD: "Class C0"). This sequence change replaces asparagine with threonine at codon 2638 of the NF1 protein (p.Asn2638Thr). The asparagine residue is moderately conserved and there is a small physicochemical difference between asparagine and threonine. This variant is not present in population databases (ExAC no frequency). This variant has not been reported in the literature in individuals with NF1-related conditions.

NM_001042492.3(NF1):c.7976A>C (p.Asn2659Thr)

Gene: NF1 (neurofibromin 1; plus strand). Cytogenetic location: 17q11.2.
Variant type: single nucleotide variant.
Coding change: c.7976A>C on transcript NM_001042492.3 (MANE Select); coding-DNA position 7976, A replaced by C.
Protein change: p.Asn2659Thr; replaces asparagine 2659 with threonine.
Molecular consequence: missense variant.
Genome position (GRCh38, 1-based): chr17:31,358,485, A>C. VCF-style: chr17-31358485-A-C. GRCh37 (hg19) VCF-style: chr17-29685503-A-C.
Other names: c.7913A>C, p.Asn2638Thr (NM_000267.4); short protein forms N2638T, N2659T.
Identifiers: ClinVar variation 651836 (VCV000651836.5), dbSNP rs1597868051, ClinGen allele CA399203592.